The following is an entry in ClinVar:

NC_000017.10:g.(?_41196977)_(41277500_?)del

Gene: BRCA1 (BRCA1 DNA repair associated; minus strand). Cytogenetic location: 17q21.31.
Variant type: Deletion.
Identifiers: ClinVar variation 1068881 (VCV001068881.2).

ClinVar aggregate classification (germline): Pathogenic (1 of 4 stars; one submission).

Conditions:
Hereditary breast ovarian cancer syndrome. Also called: Breast and ovarian cancer; BRCA1- and BRCA2-Associated Hereditary Breast and Ovarian Cancer; Hereditary breast and ovarian cancer syndrome; Hereditary breast and/or ovarian cancer syndrome; Hereditary breast and ovarian cancer; Hereditary breast and ovarian cancer syndrome (HBOC). Identifiers: Orphanet 145, MedGen C0677776, MeSH D061325, MONDO:0003582. Disease mechanism: loss of function.

Submission:

Labcorp Genetics (formerly Invitae), Labcorp
Classification: Pathogenic for Hereditary breast ovarian cancer syndrome. Last evaluated: 2022-10-26. Review status: criteria provided, single submitter. Criteria: Invitae Variant Classification Sherloc (09022015). Collection method: clinical testing. Allele origin: germline.
Comment: A gross deletion of the genomic region encompassing the full coding sequence of the BRCA1 gene has been identified. Loss-of-function variants in BRCA1 are known to be pathogenic (PMID: 20104584). The boundaries of this event are unknown as they extend beyond the assayed region for this gene and therefore may encompass additional genes. A similar copy number variant has been observed in individual(s) with breast or ovarian cancers (PMID: 16793929, 21281505, 24686251). It has also been observed to segregate with disease in related individuals. For these reasons, this variant has been classified as Pathogenic.

Literature cited by the submitters: PubMed 20104584; PubMed 16793929; PubMed 21281505; PubMed 24686251.